The following is an entry in ClinVar:

NM_001164508.2(NEB):c.22418dup (p.Leu7473fs)

Genes: NEB (nebulin; minus strand), RIF1 (replication timing regulatory factor 1; plus strand). Cytogenetic location: 2q23.3.
Variant type: Duplication.
Coding change: c.22418dup on transcript NM_001164508.2 (MANE Select); coding-DNA position 22418, one base duplicated (T; older notation c.22418dupT).
Protein change: p.Leu7473fs; shifts the reading frame from leucine 7473.
Molecular consequence: frameshift variant.
Genome position (GRCh38, 1-based): chr2:151,524,372, A duplicated on the plus strand (T on the coding strand, the reverse complement: NEB is on the minus strand); the first of 2 consecutive A bases (chr2:151,524,372-151,524,373); duplicating either gives the same sequence. VCF-style (leftmost placement, unchanged base first): chr2-151524371-T-TA. GRCh37 (hg19) VCF-style: chr2-152380885-T-TA.
Other names: c.22418dup, p.Leu7473fs (NM_001164507.2); c.22523dup, p.Leu7508fs (NM_001271208.2); c.17315dup, p.Leu5772fs (NM_004543.5); short protein forms L5772fs, L7473fs, L7508fs.
Identifiers: ClinVar variation 835709 (VCV000835709.7), dbSNP rs2084059565, ClinGen allele CA916080273.

ClinVar aggregate classification (germline): Pathogenic (1 of 4 stars; one submission).

Conditions:
Nemaline myopathy 2 (NEM2). Also called: Nemaline myopathy 2, autosomal recessive. Identifiers: MedGen C1850569, MONDO:0009725, OMIM 256030.

Submission:

Labcorp Genetics (formerly Invitae), Labcorp
Classification: Pathogenic for Nemaline myopathy 2. Last evaluated: 2022-08-23. Review status: criteria provided, single submitter. Criteria: Invitae Variant Classification Sherloc (09022015). Collection method: clinical testing. Allele origin: germline.
Comment: This variant has not been reported in the literature in individuals affected with NEB-related conditions. This variant is not present in population databases (gnomAD no frequency). This sequence change creates a premature translational stop signal (p.Leu7508Phefs*23) in the NEB gene. It is expected to result in an absent or disrupted protein product. Loss-of-function variants in NEB are known to be pathogenic (PMID: 25205138). ClinVar contains an entry for this variant (Variation ID: 835709). For these reasons, this variant has been classified as Pathogenic.

Literature cited by the submitters: PubMed 25205138.